The following is an entry in ClinVar:

NM_130384.3(ATRIP):c.1371C>G (p.Ser457Arg)

Genes: ATRIP (ATR interacting protein; plus strand), ATRIP-TREX1 (ATRIP-TREX1 readthrough; plus strand). Cytogenetic location: 3p21.31.
Variant type: single nucleotide variant.
Coding change: c.1371C>G on transcript NM_130384.3 (MANE Select); coding-DNA position 1371, C replaced by G.
Protein change: p.Ser457Arg; replaces serine 457 with arginine.
Molecular consequence: missense variant. On other transcripts: non-coding transcript variant (1).
Genome position (GRCh38, 1-based): chr3:48,460,425, C>G. VCF-style: chr3-48460425-C-G. GRCh37 (hg19) VCF-style: chr3-48501824-C-G.
Other names: c.990C>G, p.Ser330Arg (NM_001271022.2); c.1092C>G, p.Ser364Arg (NM_001271023.2); c.1371C>G, p.Ser457Arg (NM_032166.4); short protein forms S364R, S330R, S457R.
Identifiers: ClinVar variation 4644532 (VCV004644532.1).

ClinVar aggregate classification (germline): Uncertain significance (1 of 4 stars; one submission).

Submission:

Ambry Genetics
Classification: Uncertain significance. Last evaluated: 2025-10-08. Review status: criteria provided, single submitter. Criteria: Ambry Variant Classification Scheme 2023. Collection method: clinical testing. Allele origin: germline.
Comment: The p.S457R variant (also known as c.1371C>G), located in coding exon 8 of the ATRIP gene, results from a C to G substitution at nucleotide position 1371. The serine at codon 457 is replaced by arginine, an amino acid with dissimilar properties. This amino acid position is conserved. In addition, this alteration is predicted to be tolerated by in silico analysis. Based on the available evidence, the clinical significance of this variant remains unclear.